The following is an entry in ClinVar:

ClinVar aggregate classification (germline): Uncertain significance (1 of 4 stars; one submission).

Conditions:
Primary ciliary dyskinesia. Also called: Ciliary dyskinesia. Identifiers: Orphanet 244, MedGen C0008780, MONDO:0016575, HP:0012265.

gnomAD v4.1: 1 of 1,613,928 alleles (0.000062%); highest among the groups gnomAD compares: Non-Finnish European, 0.000085%; no homozygotes.

Submission:

Labcorp Genetics (formerly Invitae), Labcorp
Classification: Uncertain significance for Primary ciliary dyskinesia. Last evaluated: 2025-04-28. Review status: criteria provided, single submitter. Criteria: Invitae Variant Classification Sherloc (09022015). Collection method: clinical testing. Allele origin: germline.
Comment: This sequence change replaces glutamine, which is neutral and polar, with arginine, which is basic and polar, at codon 712 of the DRC1 protein (p.Gln712Arg). The frequency data for this variant in the population databases is considered unreliable, as metrics indicate poor data quality at this position in the gnomAD database. This variant has not been reported in the literature in individuals affected with DRC1-related conditions. ClinVar contains an entry for this variant (Variation ID: 3691943). An algorithm developed to predict the effect of missense changes on protein structure and function (PolyPhen-2) suggests that this variant is likely to be tolerated. In summary, the available evidence is currently insufficient to determine the role of this variant in disease. Therefore, it has been classified as a Variant of Uncertain Significance.

NM_145038.5(DRC1):c.2135A>G (p.Gln712Arg)

Gene: DRC1 (dynein regulatory complex subunit 1; plus strand). Cytogenetic location: 2p23.3.
Variant type: single nucleotide variant.
Coding change: c.2135A>G on transcript NM_145038.5 (MANE Select); coding-DNA position 2135, A replaced by G.
Protein change: p.Gln712Arg; replaces glutamine 712 with arginine.
Molecular consequence: missense variant.
Genome position (GRCh38, 1-based): chr2:26,455,202, A>G. VCF-style: chr2-26455202-A-G. GRCh37 (hg19) VCF-style: chr2-26678070-A-G.
Other names: short protein forms Q712R.
Identifiers: ClinVar variation 3691943 (VCV003691943.2).
Genomic context (GRCh38, chr2:26,455,202, plus strand): 5'-CCCAGAGGGCCAAGCTGCTGCTGGAAAACAGTTCTCTGGAGCAGCAGAACACAGAGCTGC[A>G]GGCGCTACTGCAGCAGTATCTGAACTCCAAGGTGGGCGGCGGGGCCTTCCAAGGAGGGGC-3'
Protein context (NP_659475.2, residues 702-722): SSLEQQNTEL[Gln712Arg]ALLQQYLNSK